The following continues an entry in ClinVar:

NM_003640.5(ELP1):c.2204+6T>C

Gene: ELP1. ClinVar aggregate classification (germline): Pathogenic. Pathogenic (19).

Submissions 11 to 28 of 28:

Ambry Genetics
Classification: Pathogenic. Last evaluated: 2022-11-09. Review status: criteria provided, single submitter. Criteria: Ambry Variant Classification Scheme 2023. Collection method: clinical testing. Allele origin: germline.
Comment: The c.2204+6T>C intronic alteration consists of a T to C substitution 6 nucleotides after exon 20 (coding exon 19) of the IKBKAP gene. This alteration is also designated as c.2507+6T>C or IVS20+6T>C in the published literature. Based on data from gnomAD, the C allele has an overall frequency of 0.062% (174/282646) total alleles studied. The highest observed frequency was 1.341% (139/10364) of Ashkenazi Jewish alleles. This alteration has been reported in the homozygous state in multiple unrelated individuals with familial dysautonomia (FD) and is reported to be the most common pathogenic alteration associated with this condition (Slaugenhaupt, 2001; Anderson, 2001; Boone, 2012). This nucleotide position is well conserved in available vertebrate species. Skipping of exon 20, which is predicted to result in a frameshift, was detected in brain tissue from an individual affected with FD as well as in fibroblasts derived from multiple FD patients (Slaugenhaupt, 2001; Boone, 2012; Bruun, 2018; Ibrahim, 2007). Based on the available evidence, this alteration is classified as pathogenic.

Mayo Clinic Laboratories, Mayo Clinic
Classification: Pathogenic. Last evaluated: 2022-10-21. Review status: criteria provided, single submitter. Criteria: ACMG Guidelines, 2015. Collection method: clinical testing. Allele origin: germline. Observed: 3 variant alleles.
Comment: PP1_moderate, PM3, PVS1

GeneDx
Classification: Pathogenic. Last evaluated: 2022-07-05. Review status: criteria provided, single submitter. Criteria: GeneDx Variant Classification Process June 2021. Collection method: clinical testing. Allele origin: germline. Affected: yes.
Comment: Functional studies in a mouse model show that c.2204+6 T>C causes alternative splicing in specific tissues and results in the skipping of exon 20 in the brain and other neuronal tissue (Bochner et al., 2013); This variant is associated with the following publications: (PMID: 17206408, 27175728, 21821670, 23515154, 22190446, 21228398, 11179021, 16964593, 12687659, 12831599, 27065010, 22975760, 23159879, 11179008, 28404519, 30609409, 29289840, 28592461, 29762696, 16032383)

Department of Pathology and Laboratory Medicine, Sinai Health System
Classification: Pathogenic for primary dysautonomia. Last evaluated: 2022-05-17. Review status: criteria provided, single submitter. Criteria: ACMG Guidelines, 2015. Collection method: research. Allele origin: germline.

Myriad Genetics, Inc.
Classification: Pathogenic for Familial dysautonomia. Last evaluated: 2019-10-18. Review status: criteria provided, single submitter. Criteria: Myriad Women's Health Autosomal Recessive and X-Linked Classification Criteria (2019). Collection method: clinical testing. Allele origin: unknown.
Comment: NM_003640.3(IKBKAP):c.2204+6T>C is classified as pathogenic in the context of familial dysautonomia. Sources cited for classification include the following: PMID 11179008, 22850346, 16964593, 11179021, 17206408. Classification of NM_003640.3(IKBKAP):c.2204+6T>C is based on the following criteria: This is a well-established pathogenic variant in the literature that has been observed more frequently in patients with clinical diagnoses than in healthy populations. Please note: this variant was assessed in the context of healthy population screening.

Laboratory for Molecular Medicine, Mass General Brigham Personalized Medicine
Classification: Pathogenic for Familial dysautonomia. Last evaluated: 2019-07-25. Review status: criteria provided, single submitter. Criteria: LMM Criteria. Collection method: clinical testing. Allele origin: germline. Inheritance: Autosomal recessive inheritance. Observed: 2 variant alleles.
Comment: The c.2204+6T>C variant in IKBKAP has been reported in several individuals with familial dysautonomia and is a founder mutation in the Ashkenazi Jewish population (Slaugenhaupt 2001, Anderson 2001). This variant has been identified in 1.3% (139/10364) of Ashkenazi Jewish chromosomes and 0.003% (27/129012) of European chromosomes by gnomAD and is reported in ClinVar (Variation ID: 6085). Although this variant has been seen in the general population, its frequency is low enough to be consistent with a recessive carrier frequency. This variant is located in the 5' splice region and was demonstrated to lead to aberrant splicing in vitro (Ibrahim 2007). In summary, this variant meets criteria to be classified as pathogenic for familial dysautonomia in an autosomal recessive manner based upon its biallelic occurrence in cases and demonstrated impact on splicing. ACMG/AMP Criteria applied: PM3_VeryStrong, PP3, PS3_Supporting.

Illumina Laboratory Services, Illumina
Classification: Pathogenic for Familial dysautonomia. Last evaluated: 2018-11-30. Review status: criteria provided, single submitter. Criteria: ICSL Variant Classification Criteria 09 May 2019. Collection method: clinical testing. Allele origin: germline.
Comment: The IKBKAP c.2204+6T>C variant, also referred to as IVS20+6T>C, is a well-known pathogenic variant for familial dysautonomia (FD). The carrier frequency of this variant is 3.2% in FD patients of Ashkenazi Jewish descent, accounting for approximately 99% of disease alleles in this ethnic group (Dong et al. 2002; Shohat et al. 2014). In one study the c.2204+6T>C variant was found in 38 homozygotes and 2 compound heterozygotes all affected with familial dysautonomia (Anderson et al. 2001). The c.2204+6T>C variant has been reported at a frequency of 0.013900 in the Ashkenazi Jewish population of the Genome Aggregation Database. The c.2204+6T>C variant has been shown to affect mRNA splicing and cause tissue-specific skipping of exon 20, which leads to changes in neuronal gene expression and development (Slaugenhaupt et al. 2001; Anderson et al. 2001; Boone et al. 2012). Based on the collective evidence, the c.2204+6T>C variant is classified as pathogenic for familial dysautonomia. This variant was observed by ICSL as part of a predisposition screen in an ostensibly healthy population.

Fulgent Genetics
Classification: Pathogenic for Familial dysautonomia. Last evaluated: 2018-10-31. Review status: criteria provided, single submitter. Criteria: ACMG Guidelines, 2015. Collection method: clinical testing. Allele origin: unknown.

Eurofins Ntd Llc (ga)
Classification: Pathogenic. Last evaluated: 2015-04-13. Review status: criteria provided, single submitter. Criteria: EGL Classification Definitions 2015. Collection method: clinical testing. Allele origin: germline. Observed: 10 variant alleles, 6 heterozygotes, 4 homozygotes.

Reproductive Health Research and Development, BGI Genomics
Classification: Pathogenic for Familial dysautonomia. Last evaluated: 2020-01-06. Review status: no assertion criteria provided. Collection method: curation. Allele origin: germline. Not counted in ClinVar's aggregate classification.
Comment: NG_008788.1(NM_003640.3):c.2204+6T>C (IVS20+6T>C) in the ELP1 gene has an allele frequency of 0.013 in Ashkenazi Jewish subpopulation in the gnomAD database. The c.2204+6T>C splice site variant in the ELP1 gene has been previously reported as a founder mutation in the Ashkenazi Jewish population with a reported carrier frequency of 1 in 36 individuals (PMID: 11179008). Anderson et al. reported 38 homozygotes and 2 compound heterozygotes of this variant in patients with familial dysautonomia (PMID: 11179021). Splicing study demenstrated that normal splicing of the IKAP transcript results in removal of introns 19 and 20 and in retention of exon 20. In comparison, c.2204+6T>C in the donor splice site of intron 20 in the mutant allele results in removal of introns 19 and 20 and exon 20 (PMID: 11179021). Taken together, we interprete this variant as Pathogenic/Likely pathogenic. ACMG/AMP Criteria applied: PS4; PS3; PM3_Strong.

OMIM
Classification: Pathogenic for DYSAUTONOMIA, FAMILIAL. Last evaluated: 2007-01-01. Review status: no assertion criteria provided. Collection method: literature only. Allele origin: germline. Not counted in ClinVar's aggregate classification.

Clinical Genetics, Academic Medical Center
Classification: Pathogenic. Review status: no assertion criteria provided. Collection method: clinical testing. Allele origin: germline. Affected: yes. Study: VKGL Data-share Consensus. Not counted in ClinVar's aggregate classification.

Diagnostic Laboratory, Department of Genetics, University Medical Center Groningen
Classification: Pathogenic for Familial dysautonomia. Review status: no assertion criteria provided. Collection method: clinical testing. Allele origin: germline. Affected: yes. Study: VKGL Data-share Consensus. Not counted in ClinVar's aggregate classification.

Dr. Peter K. Rogan Lab, Western University
No classification provided (evidence only). Condition: Sarcoma. Review status: no classification provided. Collection method: in vitro. Allele origin: not applicable. Functional consequence: skipped exon, retained intron. Not counted in ClinVar's aggregate classification.

Dr. Peter K. Rogan Lab, Western University
No classification provided (evidence only). Condition: Ovarian serous cystadenocarcinoma. Review status: no classification provided. Collection method: in vitro. Allele origin: not applicable. Functional consequence: retained intron. Not counted in ClinVar's aggregate classification.

GeneReviews
No classification provided. Condition: Familial dysautonomia. Review status: no classification provided. Collection method: literature only. Allele origin: germline. Not counted in ClinVar's aggregate classification.
Comment: Founder variant that accounts for >99.5% of pathogenic variants in Ashkenazi Jews

Inherited Neuropathy Consortium
Classification: Uncertain significance for Charcot-Marie-Tooth disease. Review status: no assertion criteria provided. Collection method: literature only. Allele origin: germline. Affected: yes. Not counted in ClinVar's aggregate classification.

SNPedia
No classification provided. Review status: no classification provided. Collection method: not provided. Allele origin: germline. Not counted in ClinVar's aggregate classification.

Literature cited by the submitters: PubMed 11179021 (cited by 10 submitters); PubMed 12687659 (cited by Otogenetics); PubMed 16964593 (cited by 7 submitters); PubMed 29289840 (cited by Otogenetics and Natera, Inc.); PubMed 29762696 (cited by Otogenetics and Ambry Genetics); PubMed 12116234 (cited by 5 submitters); PubMed 11179008 (cited by 11 submitters); PubMed 20301359 (cited by Labcorp Genetics (formerly Invitae), Labcorp and Illumina Laboratory Services, Illumina); PubMed 22190446 (cited by 5 submitters); PubMed 23515154 (cited by Labcorp Genetics (formerly Invitae), Labcorp and Laboratory for Molecular Medicine, Mass General Brigham Personalized Medicine); PubMed 17576681 (cited by Labcorp Genetics (formerly Invitae), Labcorp); PubMed 9536098 (cited by Labcorp Genetics (formerly Invitae), Labcorp and Laboratory for Molecular Medicine, Mass General Brigham Personalized Medicine); PubMed 34301951 (cited by Natera, Inc.); PubMed 22850346 (cited by Myriad Genetics, Inc.); PubMed 17206408 (cited by Myriad Genetics, Inc.); PubMed 27065010 (cited by Laboratory for Molecular Medicine, Mass General Brigham Personalized Medicine).